The following is an entry in ClinVar:

ClinVar aggregate classification (germline): Pathogenic (1 of 4 stars; one submission).

Conditions:
Hereditary breast ovarian cancer syndrome. Also called: Hereditary breast and ovarian cancer; Breast and ovarian cancer; BRCA1- and BRCA2-Associated Hereditary Breast and Ovarian Cancer; Hereditary breast and/or ovarian cancer syndrome; Hereditary breast and ovarian cancer syndrome; Hereditary breast and ovarian cancer syndrome (HBOC). Identifiers: Orphanet 145, MedGen C0677776, MeSH D061325, MONDO:0003582. Disease mechanism: loss of function.

Submission:

Labcorp Genetics (formerly Invitae), Labcorp
Classification: Pathogenic for Hereditary breast ovarian cancer syndrome. Last evaluated: 2021-04-19. Review status: criteria provided, single submitter. Criteria: Invitae Variant Classification Sherloc (09022015). Collection method: clinical testing. Allele origin: germline.
Comment: For these reasons, this variant has been classified as Pathogenic. This variant disrupts the C-terminus of the BRCA2 protein. Other variant(s) that disrupt this region (p.Tyr3308*) have been determined to be pathogenic (PMID: 17026620, 22711857, 18593900, 18607349). This suggests that variants that disrupt this region of the protein are likely to be causative of disease. This variant has been observed in individual(s) with fallopian tube cancer (PMID: 26439132). This variant is a gross deletion of the genomic region encompassing exon(s) 21-27 of the BRCA2 gene. The 5' boundary is likely confined to intron 20. The 3' end of this event is unknown as it extends through the termination codon beyond the assayed region for this gene and may encompass additional genes. While this deletion is not anticipated to lead to nonsense mediated decay, it is expected to alter mRNA translation or result in a truncated protein product.

Literature cited by the submitters: PubMed 17026620; PubMed 22711857; PubMed 18593900; PubMed 18607349; PubMed 26439132.

NC_000013.10:g.(?_32950787)_(32972907_?)del

Gene: BRCA2 (BRCA2 DNA repair associated; plus strand). Cytogenetic location: 13q13.1.
Variant type: Deletion.
Identifiers: ClinVar variation 1459464 (VCV001459464.8).